The following is an entry in ClinVar:

NM_015202.5(KATNIP):c.3063A>C (p.Leu1021Phe)

Gene: KATNIP (katanin interacting protein; plus strand). Cytogenetic location: 16p12.1.
Variant type: single nucleotide variant.
Coding change: c.3063A>C on transcript NM_015202.5 (MANE Select); coding-DNA position 3063, A replaced by C.
Protein change: p.Leu1021Phe; replaces leucine 1021 with phenylalanine.
Molecular consequence: missense variant.
Genome position (GRCh38, 1-based): chr16:27,750,023, A>C. VCF-style: chr16-27750023-A-C. GRCh37 (hg19) VCF-style: chr16-27761344-A-C.
Other names: short protein forms L1021F.
Identifiers: ClinVar variation 2146904 (VCV002146904.4), dbSNP rs761831465, ClinGen allele CA7978135.

ClinVar aggregate classification (germline): Uncertain significance (1 of 4 stars; one submission).

Allele frequency attached by ClinVar (database versions not stated): gnomAD 0.00001; TOPMed 0.00001; ExAC 0.00022.

Submission:

Labcorp Genetics (formerly Invitae), Labcorp
Classification: Uncertain significance. Last evaluated: 2022-11-01. Review status: criteria provided, single submitter. Criteria: Invitae Variant Classification Sherloc (09022015). Collection method: clinical testing. Allele origin: germline.
Comment: In summary, the available evidence is currently insufficient to determine the role of this variant in disease. Therefore, it has been classified as a Variant of Uncertain Significance. Algorithms developed to predict the effect of missense changes on protein structure and function are either unavailable or do not agree on the potential impact of this missense change (SIFT: "Deleterious"; PolyPhen-2: "Probably Damaging"; Align-GVGD: "Class C0"). This variant has not been reported in the literature in individuals affected with KIAA0556-related conditions. The frequency data for this variant in the population databases is considered unreliable, as metrics indicate poor data quality at this position in the gnomAD database. This sequence change replaces leucine, which is neutral and non-polar, with phenylalanine, which is neutral and non-polar, at codon 1021 of the KIAA0556 protein (p.Leu1021Phe).